The following is an entry in ClinVar:

ClinVar aggregate classification (germline): Likely pathogenic (1 of 4 stars; one submission).

Conditions:
Tay-Sachs disease (TSD). Also called: HEXA DEFICIENCY; HEXA Disorders; GM2 gangliosidosis, type 1; Hexosaminidase alpha-subunit deficiency (variant B); Sphingolipidosis, Tay-Sachs; Hexosaminidase A Deficiency. Identifiers: Orphanet 845, MedGen C0039373, MONDO:0010100, OMIM 272800.

Submission:

Natera, Inc.
Classification: Likely pathogenic for Tay-Sachs disease. Last evaluated: 2025-03-10. Review status: criteria provided, single submitter. Criteria: Natera Variant Classification Schema (03/2026). Collection method: clinical testing. Allele origin: germline.
Comment: The c.623A>T variant in HEXA is a missense variant predicted to cause substitution of aspartic acid to valine at amino acid 208. This variant is rare in the general population with a frequency below the threshold expected for the associated phenotype(s). This variant has been observed in one or more individuals affected with the associated recessive disease, as either homozygous or compound heterozygous with a second variant (PMID: 22441121). This variant has been identified in one or more affected individuals with a phenotype highly consistent with the associated gene (PMID: 22441121). Computational prediction algorithms indicate this variant is likely to affect gene or protein function. Given the available evidence, this variant is classified as Likely Pathogenic.

Literature cited by the submitters: PubMed 22441121.

NM_000520.6(HEXA):c.623A>T (p.Asp208Val)

Gene: HEXA (hexosaminidase subunit alpha; minus strand). Cytogenetic location: 15q23.
Variant type: single nucleotide variant.
Coding change: c.623A>T on transcript NM_000520.6 (MANE Select); coding-DNA position 623, A replaced by T.
Protein change: p.Asp208Val; replaces aspartic acid 208 with valine.
Molecular consequence: missense variant. On other transcripts: non-coding transcript variant (1).
Genome position (GRCh38, 1-based): chr15:72,351,182, T>A on the plus strand (A>T on the coding strand, the complement: HEXA is on the minus strand). VCF-style: chr15-72351182-T-A. GRCh37 (hg19) VCF-style: chr15-72643523-T-A.
Other names: c.656A>T, p.Asp219Val (NM_001318825.2); short protein forms D208V, D219V.
Identifiers: ClinVar variation 4814268 (VCV004814268.1).